The following is an entry in ClinVar:

ClinVar aggregate classification (germline): Uncertain significance. Review status: criteria provided, multiple submitters, no conflicts (2 of 4 stars). 3 submissions from 3 submitters: Uncertain significance (3). Last evaluated 2020-07-23.

Submissions (3):

Labcorp Genetics (formerly Invitae), Labcorp
Classification: Uncertain significance. Last evaluated: 2020-07-23. Review status: criteria provided, single submitter. Criteria: Invitae Variant Classification Sherloc (09022015). Collection method: clinical testing. Allele origin: germline.
Comment: In summary, the available evidence is currently insufficient to determine the role of this variant in disease. Therefore, it has been classified as a Variant of Uncertain Significance. Advanced modeling of protein sequence and biophysical properties (such as structural, functional, and spatial information, amino acid conservation, physicochemical variation, residue mobility, and thermodynamic stability) performed at Invitae indicates that this missense variant is not expected to disrupt COL4A5 protein function. This variant has not been reported in the literature in individuals with COL4A5-related conditions. ClinVar contains an entry for this variant (Variation ID: 447207). This variant is not present in population databases (ExAC no frequency). This sequence change replaces proline with serine at codon 1263 of the COL4A5 protein (p.Pro1263Ser). The proline residue is highly conserved and there is a moderate physicochemical difference between proline and serine.

Eurofins Ntd Llc (ga)
Classification: Uncertain significance. Last evaluated: 2018-07-10. Review status: criteria provided, single submitter. Criteria: EGL ClinVar v180209 classification definitions. Collection method: clinical testing. Allele origin: germline. Observed: 1 variant allele, 1 heterozygote.

Athena Diagnostics
Classification: Uncertain significance. Last evaluated: 2017-06-26. Review status: criteria provided, single submitter. Criteria: Athena Diagnostics Criteria. Collection method: clinical testing. Allele origin: germline.

NM_033380.3(COL4A5):c.3787C>T (p.Pro1263Ser)

Gene: COL4A5 (collagen type IV alpha 5 chain; plus strand). Cytogenetic location: Xq22.3.
Variant type: single nucleotide variant.
Coding change: c.3787C>T on transcript NM_033380.3 (MANE Select); coding-DNA position 3787, C replaced by T.
Protein change: p.Pro1263Ser; replaces proline 1263 with serine.
Molecular consequence: missense variant.
Genome position (GRCh38, 1-based): chrX:108,668,501, C>T. VCF-style: chrX-108668501-C-T. GRCh37 (hg19) VCF-style: chrX-107911731-C-T.
Other names: c.3787C>T, p.Pro1263Ser (NM_000495.5); short protein forms P1263S.
Identifiers: ClinVar variation 447207 (VCV000447207.13), dbSNP rs1012489715, ClinGen allele CA334047053.